The following is an entry in ClinVar:

ClinVar aggregate classification (germline): Uncertain significance (1 of 4 stars; one submission).

Submission:

Ambry Genetics
Classification: Uncertain significance. Last evaluated: 2023-04-28. Review status: criteria provided, single submitter. Criteria: Ambry Variant Classification Scheme 2023. Collection method: clinical testing. Allele origin: germline.
Comment: The p.V749A variant (also known as c.2246T>C), located in coding exon 20 of the PRKDC gene, results from a T to C substitution at nucleotide position 2246. The valine at codon 749 is replaced by alanine, an amino acid with similar properties. This amino acid position is conserved. In addition, this alteration is predicted to be tolerated by in silico analysis. Since supporting evidence is limited at this time, the clinical significance of this alteration remains unclear.

NM_006904.7(PRKDC):c.2246T>C (p.Val749Ala)

Gene: PRKDC (protein kinase, DNA-activated, catalytic subunit; minus strand). Cytogenetic location: 8q11.21.
Variant type: single nucleotide variant.
Coding change: c.2246T>C on transcript NM_006904.7 (MANE Select); coding-DNA position 2246, T replaced by C.
Protein change: p.Val749Ala; replaces valine 749 with alanine.
Molecular consequence: missense variant.
Genome position (GRCh38, 1-based): chr8:47,927,784, A>G on the plus strand (T>C on the coding strand, the complement: PRKDC is on the minus strand). VCF-style: chr8-47927784-A-G. GRCh37 (hg19) VCF-style: chr8-48840344-A-G.
Other names: c.2246T>C, p.Val749Ala (NM_001081640.2); short protein forms V749A.
Identifiers: ClinVar variation 2564544 (VCV002564544.2), dbSNP rs2551878278, ClinGen allele CA371162426.